The following is an entry in ClinVar:

NM_002880.4(RAF1):c.788T>C (p.Val263Ala)

Gene: RAF1 (Raf-1 proto-oncogene, serine/threonine kinase; minus strand). Cytogenetic location: 3p25.2.
Variant type: single nucleotide variant.
Coding change: c.788T>C on transcript NM_002880.4 (MANE Select); coding-DNA position 788, T replaced by C.
Protein change: p.Val263Ala; replaces valine 263 with alanine.
Molecular consequence: missense variant. On other transcripts: non-coding transcript variant (3).
Genome position (GRCh38, 1-based): chr3:12,604,182, A>G on the plus strand (T>C on the coding strand, the complement: RAF1 is on the minus strand). VCF-style: chr3-12604182-A-G. GRCh37 (hg19) VCF-style: chr3-12645681-A-G.
Other names: c.788T>C, p.Val263Ala (NM_001354689.3, NM_001354690.3); c.545T>C, p.Val182Ala (NM_001354691.3, NM_001354692.3, NM_001354694.3); c.689T>C, p.Val230Ala (NM_001354693.3); c.446T>C, p.Val149Ala (NM_001354695.3); short protein forms V263A, V182A, V149A, V230A.
Identifiers: ClinVar variation 40608 (VCV000040608.22), dbSNP rs397516830, ClinGen allele CA16602249.

ClinVar aggregate classification (germline): Pathogenic/Likely pathogenic. Review status: criteria provided, multiple submitters, no conflicts (2 of 4 stars). 7 submissions from 7 submitters: Pathogenic (4); Likely pathogenic (3). Last evaluated 2025-09-09.

Conditions:
RAF1-related disorder. Also called: RAF1-related condition; RAF1-related disorders.
Cardiovascular phenotype. Identifiers: MedGen CN230736.
RASopathy. Also called: rasopathies; Noonan spectrum disorder. Identifiers: Orphanet 536391, MedGen C5555857, MONDO:0021060.
Noonan syndrome 5 (NS5). Also called: RAF1-Related Noonan Syndrome. Identifiers: Orphanet 648, MedGen C1969057, MONDO:0012690, OMIM 611553. Disease mechanism: gain of function.

Submissions (7):

Labcorp Genetics (formerly Invitae), Labcorp
Classification: Pathogenic for RASopathy. Last evaluated: 2025-09-09. Review status: criteria provided, single submitter. Criteria: Invitae Variant Classification Sherloc (09022015). Collection method: clinical testing. Allele origin: germline.
Comment: This sequence change replaces valine, which is neutral and non-polar, with alanine, which is neutral and non-polar, at codon 263 of the RAF1 protein (p.Val263Ala). This variant is not present in population databases (gnomAD no frequency). This missense change has been observed in individual(s) with clinical features of RAF1-related conditions (PMID: 17603482; internal data). In at least one individual the variant was observed to be de novo. ClinVar contains an entry for this variant (Variation ID: 40608). Invitae Evidence Modeling of protein sequence and biophysical properties (such as structural, functional, and spatial information, amino acid conservation, physicochemical variation, residue mobility, and thermodynamic stability) indicates that this missense variant is expected to disrupt RAF1 protein function with a positive predictive value of 95%. Experimental studies have shown that this missense change affects RAF1 function (PMID: 17603482, 20679480, 24777450). This variant disrupts the p.Val263 amino acid residue in RAF1. Other variant(s) that disrupt this residue have been determined to be pathogenic (PMID: 22821648). This suggests that this residue is clinically significant, and that variants that disrupt this residue are likely to be disease-causing. For these reasons, this variant has been classified as Pathogenic.

GeneDx
Classification: Pathogenic. Last evaluated: 2024-11-21. Review status: criteria provided, single submitter. Criteria: GeneDx Variant Classification Process June 2021. Collection method: clinical testing. Allele origin: germline. Affected: yes.
Comment: Not observed at significant frequency in large population cohorts (gnomAD); In silico analysis supports that this missense variant has a deleterious effect on protein structure/function; Missense variants in this gene are a common cause of disease and they are underrepresented in the general population; This variant is associated with the following publications: (PMID: 24803665, 29271604, 20679480, 24777450, 22821648, 33300679, 17603482, 38205249, 24957944, 9689060, 15520807, 29493581, 19020799, 17603483)

3billion
Classification: Pathogenic for Noonan syndrome 5. Last evaluated: 2024-08-22. Review status: criteria provided, single submitter. Criteria: ACMG Guidelines, 2015. Collection method: clinical testing. Allele origin: germline. Affected: yes.
Comment: The variant is not observed in the gnomAD v4.0.0 dataset. Predicted Consequence/Location: The variant is located in a mutational hot spot and/or well-established functional domain in which established pathogenic variants have been reported (PMID: 29493581). Missense changes are a common disease-causing mechanism. In silico tool predictions suggest damaging effect of the variant on gene or gene product [REVEL: 0.73 (>=0.6, sensitivity 0.68 and specificity 0.92); 3Cnet: 0.99 (>=0.6, sensitivity 0.72 and precision 0.9)]. The same nucleotide change resulting in the same amino acid change has been previously reported as pathogenic/likely pathogenic with strong evidence (ClinVar ID: VCV000040608 /PMID: 17603482). Different missense changes at the same codon (p.Val263Asp, p.Val263Gly) have been reported as pathogenic/likely pathogenic with strong evidence (ClinVar ID: VCV000040607, VCV000496189 /PMID: 22821648). Therefore, this variant is classified as Pathogenic according to the recommendation of ACMG/AMP guideline.

Women's Health and Genetics/Laboratory Corporation of America, LabCorp
Classification: Likely pathogenic for RASopathy. Last evaluated: 2024-03-11. Review status: criteria provided, single submitter. Criteria: LabCorp Variant Classification Summary - May 2015. Collection method: clinical testing. Allele origin: germline.
Comment: Variant summary: RAF1 c.788T>C (p.Val263Ala) results in a non-conservative amino acid change in the encoded protein sequence. Three of five in-silico tools predict a damaging effect of the variant on protein function. The variant was absent in 251466 control chromosomes (gnomAD). c.788T>C has been reported in the literature in an individual affected with Noonan Syndrome (Razzaque_2007). These data suggest the variant may be associated with disease. Several publications report experimental evidence evaluating an impact on protein function (Razzaque_2007, Molzan_2010, Dhandapany_2015). The variant exhibited increased kinase activity in comparison to the WT protein and results in the constitutive activatation of the ERK/MAPK pathway. Additionally, other variants affecting the same amino acid (p.Val263Gly and p.Val263Asp) have been reported in individuals with Noonan Syndrome and have been classified as pathogenic/likely pathogenic by our laboratory. The following publications have been ascertained in the context of this evaluation (PMID: 24777450, 20679480, 17603482). ClinVar contains an entry for this variant (Variation ID: 40608). Based on the evidence outlined above, the variant was classified as likely pathogenic.

Blueprint Genetics
Classification: Pathogenic for RAF1-related disorders. Last evaluated: 2023-08-04. Review status: criteria provided, single submitter. Criteria: ACMG Guidelines, 2015. Collection method: clinical testing. Allele origin: germline. Affected: yes. Observed: 2 variant alleles.

Laboratorio de Genetica e Diagnostico Molecular, Hospital Israelita Albert Einstein
Classification: Likely pathogenic for Noonan syndrome 5. Last evaluated: 2022-08-01. Review status: criteria provided, single submitter. Criteria: ACMG Guidelines, 2015. Collection method: clinical testing. Allele origin: germline. Affected: yes. Observed: 1 variant allele.
Comment: ACMG classification criteria: PS4 moderated, PM2 moderated, PM6 moderated, PP2 supporting, PP3 supporting

Ambry Genetics
Classification: Likely pathogenic for Cardiovascular phenotype. Last evaluated: 2019-06-07. Review status: criteria provided, single submitter. Criteria: Ambry Variant Classification Scheme 2023. Collection method: clinical testing. Allele origin: germline.
Comment: The p.V263A variant (also known as c.788T>C), located in coding exon 6 of the RAF1 gene, results from a T to C substitution at nucleotide position 788. The valine at codon 263 is replaced by alanine, an amino acid with similar properties, and occurs in the conserved region 2 domain. This variant has been detected in an individual reported to have Noonan syndrome with hypertrophic cardiomyopathy (Razzaque MA et al. Nat. Genet., 2007 Aug;39:1013-7). In vitro functional studies have indicated that this variant results in increased kinase activity, increased phosphorylation of downstream effectors, and increased activation of the MAPK pathway (Razzaque MA et al. Nat. Genet., 2007 Aug;39:1013-7; Molzan M et al. Mol. Cell. Biol., 2010 Oct;30:4698-711; Dhandapany PS et al. Nat. Genet., 2014 Jun;46:635-639). Another variant affecting this codon was reported to occur de novo in a case with hypoplastic left heart syndrome considered associated with Noonan syndrome (Schulz S et al. Prenat. Diagn., 2012 Oct;32:1016-8). This amino acid position is highly conserved in available vertebrate species. In addition, this alteration is predicted to be deleterious by in silico analysis. Based on the majority of available evidence to date, this variant is likely to be pathogenic.

Literature cited by the submitters: PubMed 17603482 (cited by 4 submitters); PubMed 20679480 (cited by 3 submitters); PubMed 24777450 (cited by 3 submitters); PubMed 22821648 (cited by 3 submitters); PubMed 24803665 (cited by Ambry Genetics); PubMed 26659599 (cited by Ambry Genetics); PubMed 29493581 (cited by Ambry Genetics).